The following is an entry in ClinVar:

ClinVar aggregate classification (germline): Likely pathogenic. Review status: criteria provided, multiple submitters, no conflicts (2 of 4 stars). 2 submissions from 2 submitters: Likely pathogenic (2). Last evaluated 2025-06-11.

Conditions:
Niemann-Pick disease, type C1. Also called: NIEMANN-PICK DISEASE, VARIANT TYPE C1; NEUROVISCERAL STORAGE DISEASE WITH VERTICAL SUPRANUCLEAR OPHTHALMOPLEGIA; NIEMANN-PICK DISEASE WITH CHOLESTEROL ESTERIFICATION BLOCK; NIEMANN-PICK DISEASE WITHOUT SPHINGOMYELINASE DEFICIENCY; NIEMANN-PICK DISEASE, CHRONIC NEURONOPATHIC FORM. Identifiers: Orphanet 646, MedGen C3179455, MONDO:0009757, OMIM 257220.
Niemann-Pick disease, type C (NPC). Identifiers: Orphanet 646, MedGen C0220756, MONDO:0018982.

Allele frequency attached by ClinVar (database versions not stated): gnomAD exomes below 0.00001.
gnomAD v4.1: 1 of 1,613,838 alleles (0.000062%); highest among the groups gnomAD compares: South Asian, 0.0011%; no homozygotes.

Submissions (2):

Women's Health and Genetics/Laboratory Corporation of America, LabCorp
Classification: Likely pathogenic for Niemann-Pick disease, type C. Last evaluated: 2025-06-11. Review status: criteria provided, single submitter. Criteria: LabCorp Variant Classification Summary - May 2015. Collection method: clinical testing. Allele origin: germline.
Comment: Variant summary: NPC1 c.1534C>T (p.His512Tyr) results in a conservative amino acid change in the encoded protein sequence. Algorithms developed to predict the effect of missense changes on protein structure and function are either unavailable or do not agree on the potential impact of this missense change. The variant allele was found at a frequency of 4e-06 in 251358 control chromosomes. c.1534C>T has been observed in at least one homozygous individuals affected with Niemann-Pick Disease Type C. These data indicate that the variant may be associated with disease. To our knowledge, no experimental evidence demonstrating an impact on protein function has been reported. A different variant located at the same codon (c.1535A>G, p.His512Arg) has been classified as Pathogenic/Likely Pathogenic in ClinVar, supporting a critical relevance of this residue to NPC1 protein function. ClinVar contains an entry for this variant (Variation ID: 2841526). Based on the evidence outlined above, the variant was classified as likely pathogenic.

Labcorp Genetics (formerly Invitae), Labcorp
Classification: Likely pathogenic for Niemann-Pick disease, type C1. Last evaluated: 2023-02-28. Review status: criteria provided, single submitter. Criteria: Invitae Variant Classification Sherloc (09022015). Collection method: clinical testing. Allele origin: germline.
Comment: This variant disrupts the p.His512 amino acid residue in NPC1. Other variant(s) that disrupt this residue have been determined to be pathogenic (PMID: 11754101, 32138288). This suggests that this residue is clinically significant, and that variants that disrupt this residue are likely to be disease-causing. Advanced modeling of protein sequence and biophysical properties (such as structural, functional, and spatial information, amino acid conservation, physicochemical variation, residue mobility, and thermodynamic stability) performed at Invitae indicates that this missense variant is expected to disrupt NPC1 protein function. This variant has not been reported in the literature in individuals affected with NPC1-related conditions. This variant is present in population databases (no rsID available, gnomAD 0.003%). This sequence change replaces histidine, which is basic and polar, with tyrosine, which is neutral and polar, at codon 512 of the NPC1 protein (p.His512Tyr). In summary, the currently available evidence indicates that the variant is pathogenic, but additional data are needed to prove that conclusively. Therefore, this variant has been classified as Likely Pathogenic.

Literature cited by the submitters: PubMed 38374194 (cited by Women's Health and Genetics/Laboratory Corporation of America, LabCorp); PubMed 39185019 (cited by Women's Health and Genetics/Laboratory Corporation of America, LabCorp); PubMed 11754101 (cited by Labcorp Genetics (formerly Invitae), Labcorp); PubMed 32138288 (cited by Labcorp Genetics (formerly Invitae), Labcorp).

NM_000271.5(NPC1):c.1534C>T (p.His512Tyr)

Gene: NPC1 (NPC intracellular cholesterol transporter 1; minus strand). Cytogenetic location: 18q11.2.
Variant type: single nucleotide variant.
Coding change: c.1534C>T on transcript NM_000271.5 (MANE Select); coding-DNA position 1534, C replaced by T.
Protein change: p.His512Tyr; replaces histidine 512 with tyrosine.
Molecular consequence: missense variant.
Genome position (GRCh38, 1-based): chr18:23,554,777, G>A on the plus strand (C>T on the coding strand, the complement: NPC1 is on the minus strand). VCF-style: chr18-23554777-G-A. GRCh37 (hg19) VCF-style: chr18-21134741-G-A.
Other names: short protein forms H512Y.
Identifiers: ClinVar variation 2841526 (VCV002841526.4), dbSNP rs1168944129, ClinGen allele CA401775311.
Genomic context (GRCh38, chr18:23,554,777, plus strand): 5'-CCAAGAATGGTGTCTACCAATGATTGTCTCTTGCCACTTACCGTACGCAGTACAGAAAGT[G>A]CGTGTGGTAATCGGCATACACAAAGAAGTCGTCCCCTTTCTTGTGGTCCAGCACGGAATG-3'
Protein context (NP_000262.2, residues 502-522): DFFVYADYHT[His512Tyr]FLYCVRAPAS